The following is an entry in ClinVar:

ClinVar aggregate classification (germline): Benign/Likely benign. Review status: criteria provided, multiple submitters, no conflicts (2 of 4 stars). 4 submissions from 4 submitters: Benign (1); Likely benign (2). 1 of the submissions does not count toward it. Last evaluated 2024-03-12.

Conditions:
Cardiovascular phenotype. Identifiers: MedGen CN230736.
Alstrom syndrome (ALMS). Identifiers: Orphanet 64, MedGen C0268425, MONDO:0008763, OMIM 203800.

Submissions (4):

Blueprint Genetics
Classification: Likely benign. Last evaluated: 2024-03-12. Review status: criteria provided, single submitter. Criteria: ACMG Guidelines, 2015. Collection method: clinical testing. Allele origin: germline.

Women's Health and Genetics/Laboratory Corporation of America, LabCorp
Classification: Likely benign. Last evaluated: 2023-11-07. Review status: criteria provided, single submitter. Criteria: LabCorp Variant Classification Summary - May 2015. Collection method: clinical testing. Allele origin: germline.
Comment: Variant summary: ALMS1 c.57_74dup18 (p.Glu23_Glu28dup) results in an in-frame duplication that is predicted to duplicate 6 amino acids into the ALMS repeat region/Glu repetitive region (Glu13_Glu28) of the encoded protein. The variant was absent in 83366 control chromosomes (gnomAD). The available data on variant occurrences in the general population are insufficient to allow any conclusion about variant significance. To our knowledge, no occurrence of c.57_74dup18 in individuals affected with Alstrom Syndrome and no experimental evidence demonstrating its impact on protein function have been reported. Other duplication variants located in this Glu repetitive region (examples: c.54_74dup21/p.Glu22_Glu28dup, c.60_74dup15/p.Glu24_Glu28dup) have been classified as likely benign by our laboratory. Furthermore, there are no reports of other variants in this Glu repetitive region in the HGMD database. One submitter has cited clinical-significance assessments for this variant to ClinVar after 2014 and has classified the variant as benign. Based on the evidence outlined above, the variant was classified as as likely benign.

Ambry Genetics
Classification: Benign for Cardiovascular phenotype. Last evaluated: 2021-08-18. Review status: criteria provided, single submitter. Criteria: Ambry Variant Classification Scheme 2023. Collection method: clinical testing. Allele origin: germline.

Natera, Inc.
Classification: Uncertain significance for Alstrom syndrome. Last evaluated: 2019-11-01. Review status: no assertion criteria provided. Collection method: clinical testing. Allele origin: germline. Not counted in ClinVar's aggregate classification.

NM_001378454.1(ALMS1):c.36GGA[20] (p.Glu22_Glu28dup)

Gene: ALMS1 (ALMS1 centrosome and basal body associated protein; plus strand). Cytogenetic location: 2p13.1.
Variant type: Microsatellite.
Coding change: c.36GGA[20] on transcript NM_001378454.1 (MANE Select); 20 copies in a row of the 3-base unit GGA starting at c.36; the reference has 13 copies in a row; seven copies, 21 bases duplicated; also written c.54_74dup.
Protein change: p.Glu22_Glu28dup.
Molecular consequence: inframe insertion.
Genome position (GRCh38, 1-based): chr2:73,385,922-73,385,942, GGAGGAGGAGGAGGAGGAGGA duplicated; duplicating any 21 consecutive bases within chr2:73,385,904-73,385,942 gives the same sequence; the position shown is the placement nearest the transcript's 3' end. VCF-style (leftmost placement, unchanged base first): chr2-73385903-T-TGGAGGAGGAGGAGGAGGAGGA. GRCh37 (hg19) VCF-style: chr2-73613031-T-TGGAGGAGGAGGAGGAGGAGGA.
Other names: c.36GGA[21], p.Glu23_Glu29dup (NM_015120.4); c.54_74dup (NM_001378454.1); c.57_74dupGGAGGAGGAGGAGGAGGA (NM_015120.4); c.60_77dupGGAGGAGGAGGAGGAGGA (NM_015120.4); c.60_77dup18 (NM_015120.4).
Identifiers: ClinVar variation 241005 (VCV000241005.11), dbSNP rs55889738, ClinGen allele CA915944066.
Genomic context (GRCh38, chr2:73,385,903, plus strand): 5'-TCTGCCGCCCAGAGCGAGACACCAACATGGAGCCCGAGGATCTGCCATGGCCGGGCGAGC[T>TGGAGGAGGAGGAGGAGGAGGA]GGAGGAGGAGGAGGAGGAGGAGGAGGAGGAGGAGGAGGAAGAGGAGGAGGCTGCAGCGGC-3'